The following is an entry in ClinVar:

NM_001394167.1(RGS3):c.1338+8C>T

Gene: RGS3 (regulator of G protein signaling 3; plus strand). Cytogenetic location: 9q32.
Variant type: single nucleotide variant.
Coding change: c.1338+8C>T on transcript NM_001394167.1 (MANE Select); 8 bases into the intron after coding-DNA position 1338, C replaced by T.
Molecular consequence: intron variant.
Genome position (GRCh38, 1-based): chr9:113,514,662, C>T. VCF-style: chr9-113514662-C-T. GRCh37 (hg19) VCF-style: chr9-116276942-C-T.
Other names: c.1338+8C>T (NM_017790.6); c.831+8C>T (NM_130795.4, NM_001276261.2, NM_001322214.3); c.1362+8C>T (NM_144488.8); c.1344+8C>T (NM_001282923.2).
Identifiers: ClinVar variation 2659433 (VCV002659433.24), dbSNP rs116666638, ClinGen allele CA5198070.
Genomic context (GRCh38, chr9:113,514,662, plus strand): 5'-GCACCTACGTCACCCTGGCCCCCAAAGTCCTGGTGTTCCCTGTCTTTGTTCAGGTGAGCC[C>T]GTGGCTGGTCTTAAAGGTTCCCTCAGGAGGAACGGAGAAAGAGGAGGGCCCTTGCCCCAG-3'

ClinVar aggregate classification (germline): Likely benign (1 of 4 stars; one submission).

Allele frequency attached by ClinVar (database versions not stated): 1000 Genomes Project 30x 0.00031; 1000 Genomes Project 0.00040.
gnomAD v4.1: 2,085 of 1,612,438 alleles (0.13%); highest among the groups gnomAD compares: Middle Eastern, 0.8%; 8 homozygotes.

Submission:

CeGaT Center for Human Genetics Tuebingen
Classification: Likely benign. Last evaluated: 2023-05-01. Review status: criteria provided, single submitter. Criteria: CeGaT Center For Human Genetics Tuebingen Variant Classification Criteria Version 2. Collection method: clinical testing. Allele origin: germline. Affected: yes. Observed: 1 variant allele.
Comment: RGS3: BP4